The following is an entry in ClinVar:

ClinVar aggregate classification (germline): Conflicting classifications of pathogenicity. Review status: criteria provided, conflicting classifications (1 of 4 stars). 2 submissions from 2 submitters: Pathogenic (1); Uncertain significance (1). Last evaluated 2025-03-17.

Conditions:
Catecholaminergic polymorphic ventricular tachycardia 1. Also called: VENTRICULAR TACHYCARDIA, CATECHOLAMINERGIC POLYMORPHIC, 1, WITH OR WITHOUT ATRIAL DYSFUNCTION AND/OR DILATED CARDIOMYOPATHY; RYR2-Related Catecholaminergic Polymorphic Ventricular Tachycardia; VENTRICULAR TACHYCARDIA, STRESS-INDUCED POLYMORPHIC 1. Identifiers: Orphanet 3286, MedGen C1631597, MONDO:0011484, OMIM 604772.
Cardiovascular phenotype. Identifiers: MedGen CN230736.

Submissions (2):

Labcorp Genetics (formerly Invitae), Labcorp
Classification: Pathogenic for Catecholaminergic polymorphic ventricular tachycardia 1. Last evaluated: 2025-03-17. Review status: criteria provided, single submitter. Criteria: Invitae Variant Classification Sherloc (09022015). Collection method: clinical testing. Allele origin: germline.
Comment: This sequence change replaces leucine, which is neutral and non-polar, with phenylalanine, which is neutral and non-polar, at codon 2426 of the RYR2 protein (p.Leu2426Phe). This variant is not present in population databases (gnomAD no frequency). This missense change has been observed in individual(s) with catecholaminergic polymorphic ventricular tachycardia (internal data). It has also been observed to segregate with disease in related individuals. ClinVar contains an entry for this variant (Variation ID: 1505240). Invitae Evidence Modeling of protein sequence and biophysical properties (such as structural, functional, and spatial information, amino acid conservation, physicochemical variation, residue mobility, and thermodynamic stability) indicates that this missense variant is expected to disrupt RYR2 protein function with a positive predictive value of 95%. For these reasons, this variant has been classified as Pathogenic.

Ambry Genetics
Classification: Uncertain significance for Cardiovascular phenotype. Last evaluated: 2021-07-21. Review status: criteria provided, single submitter. Criteria: Ambry Variant Classification Scheme 2023. Collection method: clinical testing. Allele origin: germline.
Comment: The p.L2426F variant (also known as c.7276C>T), located in coding exon 48 of the RYR2 gene, results from a C to T substitution at nucleotide position 7276. The leucine at codon 2426 is replaced by phenylalanine, an amino acid with highly similar properties. This variant was reported in a catecholaminergic polymorphic ventricular tachycardia (CPVT) referral testing cohort; however, clinical details were not provided (Kapplinger JD et al. Circ Genom Precis Med, 2018 02;11:e001424). This amino acid position is highly conserved in available vertebrate species. In addition, the in silico prediction for this alteration is inconclusive. Since supporting evidence is limited at this time, the clinical significance of this alteration remains unclear.

Literature cited by the submitters: PubMed 29453246 (cited by Ambry Genetics).

NM_001035.3(RYR2):c.7276C>T (p.Leu2426Phe)

Gene: RYR2 (ryanodine receptor 2; plus strand). Cytogenetic location: 1q43.
Variant type: single nucleotide variant.
Coding change: c.7276C>T on transcript NM_001035.3 (MANE Select); coding-DNA position 7276, C replaced by T.
Protein change: p.Leu2426Phe; replaces leucine 2426 with phenylalanine.
Molecular consequence: missense variant.
Genome position (GRCh38, 1-based): chr1:237,643,381, C>T. VCF-style: chr1-237643381-C-T. GRCh37 (hg19) VCF-style: chr1-237806681-C-T.
Other names: short protein forms L2426F.
Identifiers: ClinVar variation 1505240 (VCV001505240.9), dbSNP rs2148757954, ClinGen allele CA345396970.
Genomic context (GRCh38, chr1:237,643,381, plus strand): 5'-GTATAGTTGATTCATGCCGGGAAGGGAGAAGCCATCAGAATTAGGTCCATTTTGAGATCC[C>T]TCATTCCCCTGGGAGATTTGGTGGGCGTTATCAGCATCGCTTTTCAGATGCCAACAATAG-3'
Protein context (NP_001026.2, residues 2416-2436): AIRIRSILRS[Leu2426Phe]IPLGDLVGVI